The following is an entry in ClinVar:

ClinVar aggregate classification (germline): Benign (0 of 4 stars; one submission).

Conditions:
CARD10-related disorder. Also called: CARD10-related condition.

Allele frequency attached by ClinVar (database versions not stated): ESP Exome Variant Server 0.00008; TOPMed 0.00023; ExAC 0.00421; 1000 Genomes Project 0.00619; 1000 Genomes Project 30x 0.00640.
gnomAD v4.1: 2,695 of 1,612,794 alleles (0.17%); highest among the groups gnomAD compares: South Asian, 2.8%; 40 homozygotes.

Submission:

PreventionGenetics, part of Exact Sciences
Classification: Benign for CARD10-related condition. Last evaluated: 2019-02-28. Review status: no assertion criteria provided. Collection method: clinical testing. Allele origin: germline.
Comment: This variant is classified as benign based on ACMG/AMP sequence variant interpretation guidelines (Richards et al. 2015 PMID: 25741868, with internal and published modifications).

NM_014550.4(CARD10):c.2517G>A (p.Pro839=)

Gene: CARD10 (caspase recruitment domain family member 10; minus strand). Cytogenetic location: 22q13.1.
Variant type: single nucleotide variant.
Coding change: c.2517G>A on transcript NM_014550.4 (MANE Select); coding-DNA position 2517, G replaced by A.
Protein change: p.Pro839=; no amino-acid change (proline 839 retained).
Molecular consequence: synonymous variant.
Genome position (GRCh38, 1-based): chr22:37,492,762, C>T on the plus strand (G>A on the coding strand, the complement: CARD10 is on the minus strand). VCF-style: chr22-37492762-C-T. GRCh37 (hg19) VCF-style: chr22-37888769-C-T.
Identifiers: ClinVar variation 3044055 (VCV003044055.2), dbSNP rs377009692, ClinGen allele CA10219447.